The following is an entry in ClinVar:

ClinVar aggregate classification (germline): Uncertain significance (1 of 4 stars; one submission).

gnomAD v4.1: 5 of 1,032,194 alleles (0.00048%); highest among the groups gnomAD compares: Middle Eastern, 0.043%; no homozygotes.

Submission:

Labcorp Genetics (formerly Invitae), Labcorp
Classification: Uncertain significance. Last evaluated: 2023-04-12. Review status: criteria provided, single submitter. Criteria: Invitae Variant Classification Sherloc (09022015). Collection method: clinical testing. Allele origin: germline.
Comment: In summary, the available evidence is currently insufficient to determine the role of this variant in disease. Therefore, it has been classified as a Variant of Uncertain Significance. Advanced modeling of protein sequence and biophysical properties (such as structural, functional, and spatial information, amino acid conservation, physicochemical variation, residue mobility, and thermodynamic stability) performed at Invitae indicates that this missense variant is not expected to disrupt KCNQ4 protein function. This variant has not been reported in the literature in individuals affected with KCNQ4-related conditions. The frequency data for this variant in the population databases is considered unreliable, as metrics indicate insufficient coverage at this position in the gnomAD database. This sequence change replaces alanine, which is neutral and non-polar, with valine, which is neutral and non-polar, at codon 18 of the KCNQ4 protein (p.Ala18Val).

NM_004700.4(KCNQ4):c.53C>T (p.Ala18Val)

Gene: KCNQ4 (potassium voltage-gated channel subfamily Q member 4; plus strand). Cytogenetic location: 1p34.2.
Variant type: single nucleotide variant.
Coding change: c.53C>T on transcript NM_004700.4 (MANE Select); coding-DNA position 53, C replaced by T.
Protein change: p.Ala18Val; replaces alanine 18 with valine.
Molecular consequence: missense variant.
Genome position (GRCh38, 1-based): chr1:40,784,146, C>T. VCF-style: chr1-40784146-C-T. GRCh37 (hg19) VCF-style: chr1-41249818-C-T.
Other names: c.53C>T, p.Ala18Val (NM_172163.3); short protein forms A18V.
Identifiers: ClinVar variation 2986989 (VCV002986989.3), dbSNP rs1347676173, ClinGen allele CA339884961.
Genomic context (GRCh38, chr1:40,784,146, plus strand): 5'-CGCCGCCCATGGCCGAGGCCCCCCCGCGCCGCCTCGGCCTGGGTCCCCCGCCCGGGGACG[C>T]CCCCCGCGCGGAGCTAGTGGCGCTCACGGCCGTGCAGAGCGAACAGGGCGAGGCGGGCGG-3'
Protein context (NP_004691.2, residues 8-28): RLGLGPPPGD[Ala18Val]PRAELVALTA